The following is an entry in ClinVar:

ClinVar aggregate classification (germline): Uncertain significance. Review status: criteria provided, multiple submitters, no conflicts (2 of 4 stars). 2 submissions from 2 submitters: Uncertain significance (2). Last evaluated 2021-08-16.

Conditions:
Epilepsy, progressive myoclonic, 1B. Also called: PME. Identifiers: Orphanet 308, MedGen C2676254, MONDO:0012904, OMIM 612437.

Submissions (2):

Labcorp Genetics (formerly Invitae), Labcorp
Classification: Uncertain significance for Epilepsy, progressive myoclonic, 1B. Last evaluated: 2021-08-16. Review status: criteria provided, single submitter. Criteria: Invitae Variant Classification Sherloc (09022015). Collection method: clinical testing. Allele origin: germline.
Comment: This sequence change replaces phenylalanine with serine at codon 238 of the PRICKLE1 protein (p.Phe238Ser). The phenylalanine residue is highly conserved and there is a large physicochemical difference between phenylalanine and serine. This variant is not present in population databases (ExAC no frequency). This variant has not been reported in the literature in individuals with PRICKLE1-related conditions. ClinVar contains an entry for this variant (Variation ID: 206662). Algorithms developed to predict the effect of missense changes on protein structure and function (SIFT, PolyPhen-2, Align-GVGD) all suggest that this variant is likely to be disruptive, but these predictions have not been confirmed by published functional studies and their clinical significance is uncertain. In summary, the available evidence is currently insufficient to determine the role of this variant in disease. Therefore, it has been classified as a Variant of Uncertain Significance.

GeneDx
Classification: Uncertain significance. Last evaluated: 2012-11-08. Review status: criteria provided, single submitter. Criteria: GeneDx Variant Classification (06012015). Collection method: clinical testing. Allele origin: germline. Affected: yes.
Comment: p.Phe238Ser (TTC>TCC):c.713 T>C in the PRICKLE1 gene. The Phe238Ser missense change has not been published as a mutation, nor has it been reported as a benign polymorphism to our knowledge. The NHLBI ESP Exome Variant Project has not identified Phe238Ser in approximately 6,500 individuals of European or African American ethnicity, indicating that it is not a common benign variant in these populations. The amino acid substitution is non-conservative, in that a nonpolar Phenylalanine residue is replaced by a polar Serine residue and multiple in silico algorithms predict Phe238Ser may be damaging to the structure/function of the PRICKLE1 protein. Phe238Ser alters a position in the second LIM zinc-binding domain that is conserved among mammals but is not conserved in distant vertebrates, and no other missense mutations have been reported in this domain to our knowledge. The variant is found in EPILEPSY panel(s).

NM_153026.3(PRICKLE1):c.713T>C (p.Phe238Ser)

Gene: PRICKLE1 (prickle planar cell polarity protein 1; minus strand). Cytogenetic location: 12q12.
Variant type: single nucleotide variant.
Coding change: c.713T>C on transcript NM_153026.3 (MANE Select); coding-DNA position 713, T replaced by C.
Protein change: p.Phe238Ser; replaces phenylalanine 238 with serine.
Molecular consequence: missense variant.
Genome position (GRCh38, 1-based): chr12:42,466,256, A>G on the plus strand (T>C on the coding strand, the complement: PRICKLE1 is on the minus strand). VCF-style: chr12-42466256-A-G. GRCh37 (hg19) VCF-style: chr12-42860058-A-G.
Other names: p.F238S:TTC>TCC; c.713T>C, p.Phe238Ser (NM_001144881.2, NM_001144882.2, NM_001144883.2); short protein forms F238S.
Identifiers: ClinVar variation 206662 (VCV000206662.9), dbSNP rs796052930, ClinGen allele CA316978.